The following is an entry in ClinVar:

NM_033380.3(COL4A5):c.3374-1G>A

Gene: COL4A5 (collagen type IV alpha 5 chain; plus strand). Cytogenetic location: Xq22.3.
Variant type: single nucleotide variant.
Coding change: c.3374-1G>A on transcript NM_033380.3 (MANE Select); the canonical splice acceptor site of the intron before coding-DNA position 3374, G replaced by A.
Molecular consequence: splice acceptor variant.
Genome position (GRCh38, 1-based): chrX:108,665,506, G>A. VCF-style: chrX-108665506-G-A. GRCh37 (hg19) VCF-style: chrX-107908736-G-A.
Other names: c.3374-1G>A (NM_000495.5).
Identifiers: ClinVar variation 988180 (VCV000988180.2), dbSNP rs2068058963, ClinGen allele CA413847117.

ClinVar aggregate classification (germline): Likely pathogenic. Review status: criteria provided, single submitter (1 of 4 stars). 2 submissions from 2 submitters: Likely pathogenic (1). 1 of the submissions does not count toward it. Last evaluated 2023-08-01.

Conditions:
COL4A5-related disorders.
Alport syndrome. Also called: Hemorrhagic familial nephritis; Hemorrhagic hereditary nephritis; Congenital hereditary hematuria. Identifiers: Orphanet 63, MedGen C1567741, MONDO:0018965.

Submissions (2):

Blueprint Genetics
Classification: Likely pathogenic for COL4A5-related disorders. Last evaluated: 2023-08-01. Review status: criteria provided, single submitter. Criteria: ACMG Guidelines, 2015. Collection method: clinical testing. Allele origin: germline. Affected: yes. Observed: 1 variant allele.

Sydney Genome Diagnostics, Children's Hospital Westmead
Classification: Pathogenic for Alport syndrome. Last evaluated: 2018-06-01. Review status: no assertion criteria provided. Collection method: clinical testing. Allele origin: unknown. Affected: yes. Observed: 1 variant allele, 1 heterozygote. Not counted in ClinVar's aggregate classification.
Comment: The variant has not been reported in any population databases (i.e. gnomAD, ExAC, ESP or dbSNP). To our knowledge, this variant has not been previously reported in the literature or any disease specific databases. In silico analysis of pathogenicity (through Alamut Visual v2.8.1) predicts that this variant abolishes the splice acceptor site. This variant is considered to be pathogenic according to the ACMG guidelines.